The following is an entry in ClinVar:

ClinVar aggregate classification (germline): Conflicting classifications of pathogenicity. Review status: criteria provided, conflicting classifications (1 of 4 stars). 9 submissions from 8 submitters: Pathogenic (2); Likely pathogenic (3); Uncertain significance (3). 1 of the submissions does not count toward it. Last evaluated 2025-12-08.

Conditions:
Hereditary cancer-predisposing syndrome. Also called: Tumor predisposition; Hereditary Cancer Syndrome; Neoplastic Syndromes, Hereditary; Hereditary neoplastic syndrome. Identifiers: Orphanet 140162, MedGen C0027672, MeSH D009386, MONDO:0015356.
Carcinoma of colon (CRC). Also called: Colon carcinoma; Colonic carcinoma. Identifiers: MedGen C0699790, MONDO:0002032.
Familial adenomatous polyposis 2. Also called: MYH-associated polyposis; FAP type 2; ADENOMAS, MULTIPLE COLORECTAL, AUTOSOMAL RECESSIVE; MUTYH Polyposis; MUTYH-associated polyposis; MUTYH-related attenuated familial adenomatous polyposis. Identifiers: Orphanet 220460, Orphanet 247798, MedGen C3272841, MONDO:0012041, OMIM 608456.

Allele frequency attached by ClinVar (database versions not stated): gnomAD exomes below 0.00001 and 0.00001; gnomAD 0.00001; ExAC 0.00002; 1000 Genomes Project 30x 0.00016; 1000 Genomes Project 0.00020.

Submissions (9):

Labcorp Genetics (formerly Invitae), Labcorp
Classification: Pathogenic for Familial adenomatous polyposis 2. Last evaluated: 2025-12-08. Review status: criteria provided, single submitter. Criteria: Invitae Variant Classification Sherloc (09022015). Collection method: clinical testing. Allele origin: germline.
Comment: This sequence change replaces histidine, which is basic and polar, with arginine, which is basic and polar, at codon 85 of the MUTYH protein (p.His85Arg). This variant is present in population databases (rs558707786, gnomAD 0.007%). This missense change has been observed in individuals with colorectal polyposis (PMID: 20618354; internal data). It has also been observed to segregate with disease in related individuals. ClinVar contains an entry for this variant (Variation ID: 234004). An algorithm developed to predict the effect of missense changes on protein structure and function (PolyPhen-2) suggests that this variant is likely to be disruptive. For these reasons, this variant has been classified as Pathogenic.

Women's Health and Genetics/Laboratory Corporation of America, LabCorp
Classification: Pathogenic for Familial adenomatous polyposis 2. Last evaluated: 2024-12-19. Review status: criteria provided, single submitter. Criteria: LabCorp Variant Classification Summary - May 2015. Collection method: clinical testing. Allele origin: germline.
Comment: Variant summary: MUTYH c.254A>G (p.His85Arg) results in a non-conservative amino acid change in the encoded protein sequence. Three of five in-silico tools predict a benign effect of the variant on protein function. The variant allele was found at a frequency of 8e-06 in 251476 control chromosomes. c.254A>G has been reported in the literature as a biallelic homozygous genotype in multiple individuals affected with features of MUTYH-Associated Polyposis (example, Morak_2010, Internal testing, Sutcliffe_2019). These data indicate that the variant is very likely to be associated with disease. To our knowledge, no experimental evidence demonstrating an impact on protein function has been reported. The following publications have been ascertained in the context of this evaluation (PMID: 32665031, 26377631, 20618354, 30604180). ClinVar contains an entry for this variant (Variation ID: 234004). Based on the evidence outlined above, the variant was classified as pathogenic.

Ambry Genetics
Classification: Likely pathogenic for Hereditary cancer-predisposing syndrome. Last evaluated: 2024-12-17. Review status: criteria provided, single submitter. Criteria: Ambry Variant Classification Scheme 2023. Collection method: clinical testing. Allele origin: germline.
Comment: The p.H85R variant (also known as c.254A>G), located in coding exon 3 of the MUTYH gene, results from an A to G substitution at nucleotide position 254. The histidine at codon 85 is replaced by arginine, an amino acid with highly similar properties. This variant has been identified in the homozygous state and likely in trans with a MUTYH pathogenic variant in individuals diagnosed with clinical features of MUTYH-associated polyposis (MAP) (Morak M et al. Clin Genet, 2010 Oct;78:353-63; Interlaboratory communication; Ambry internal data). This variant is considered to be rare based on population cohorts in the Genome Aggregation Database (gnomAD). This amino acid position is highly conserved in available vertebrate species. In addition, this alteration is predicted to be deleterious by in silico analysis. Based on the majority of available evidence to date, this variant is likely to be pathogenic.

KCCC/NGS Laboratory, Kuwait Cancer Control Center
Classification: Likely pathogenic for Familial adenomatous polyposis 2. Last evaluated: 2024-12-17. Review status: criteria provided, single submitter. Criteria: ACMG Guidelines, 2015. Collection method: clinical testing. Allele origin: germline. Inheritance: Autosomal recessive inheritance. Affected: yes. Observed: 1 heterozygote.
Comment: This sequence change replaces histidine, which is basic and polar, with arginine, which is basic and polar, at codon 85 of the MUTYH protein (p.His85Arg). Since Histidine and Arginine share similar properties, this is considered a conservative amino acid substitution. This variant is considered to be rare based on population cohorts in the Genome Aggregation Database (gnomAD). t has also been observed to segregate with disease in related individuals. This missense change has been observed in individuals with colorectal polyposis (PMID: 20618354; Invitae). In addition, this alteration is predicted to be deleterious by in silico analysis. . ClinVar contains an entry for this variant (Variation ID: 234004). For these reasons, this variant has been classified as Pathogenic.

Quest Diagnostics Nichols Institute San Juan Capistrano
Classification: Uncertain significance. Last evaluated: 2023-01-10. Review status: criteria provided, single submitter. Criteria: Quest Diagnostics criteria. Collection method: clinical testing. Allele origin: unknown.
Comment: The frequency of this variant in the general population, 0.000008 (2/251476 chromosomes), is uninformative in assessment of its pathogenicity. In the published literature, the variant has been reported in an individual with MUTYH-Associated Polyposis (PMID: 30604180 (2019)). Additionally, the variant was reported in a family with a history of polyps and colorectal cancer (PMID: 20618354 (2010)). Analysis of this variant using bioinformatics tools for the prediction of the effect of amino acid changes on protein structure and function yielded conflicting predictions that this variant is deleterious or benign. Based on the available information, we are unable to determine the clinical significance of this variant.

Color Diagnostics, LLC DBA Color Health
Classification: Uncertain significance for Hereditary cancer-predisposing syndrome. Last evaluated: 2020-04-06. Review status: criteria provided, single submitter. Criteria: ACMG Guidelines, 2015. Collection method: clinical testing. Allele origin: germline.
Comment: This missense variant replaces histidine with arginine at codon 85 of the MUTYH protein. This variant is also known as c.212A>G (p.His71Arg) based on an alternative transcript (NM_001048171). Computational prediction suggests that this variant may not impact protein structure and function (internally defined REVEL score threshold <= 0.5, PMID: 27666373). To our knowledge, functional studies have not been reported for this variant. This variant has been reported in the homozygous state in an individual affected with colon adenomas (PMID: 20618354). This variant has also been identified in 2/251476 chromosomes in the general population by the Genome Aggregation Database (gnomAD). The available evidence is insufficient to determine the role of this variant in disease conclusively. Therefore, this variant is classified as a Variant of Uncertain Significance.

Department of Pathology and Laboratory Medicine, Sinai Health System
Classification: Uncertain significance for Familial adenomatous polyposis 2. Last evaluated: 2019-04-01. Review status: criteria provided, single submitter. Criteria: ACMG Guidelines, 2015. Collection method: research. Allele origin: germline.

GeneDx
Classification: Likely pathogenic. Last evaluated: 2016-11-30. Review status: criteria provided, single submitter. Criteria: GeneDx Variant Classification (06012015). Collection method: clinical testing. Allele origin: germline. Affected: yes.
Comment: This variant is denoted MUTYH c.254A>G at the cDNA level, p.His85Arg (H85R) at the protein level, and results in the change of a Histidine to an Arginine (CAT>CGT). This variant was observed in the homozygous state in a patient who had a history of 10-100 colorectal adenomas and a sibling with colorectal cancer (Morak 2010). MUTYH His85Arg was not observed at a significant frequency in large population cohorts (NHLBI Exome Sequencing Project, The 1000 Genomes Consortium 2015, Lek 2016). Since Histidine and Arginine share similar properties, this is considered a conservative amino acid substitution. MUTYH His85Arg occurs at a position that is conserved across species and is not located in a known functional domain. In silico analyses predict that this variant is probably damaging to protein structure and function. Based on the currently available evidence and internal data, we consider MUTYH His85Arg to be a likely pathogenic variant. Of note, MUTYH-Associated Polyposis (MAP) is a recessive condition associated with two pathogenic variants on opposite chromosomes in MUTYH.

Department of Pathology and Laboratory Medicine, Sinai Health System
Classification: Uncertain significance for Carcinoma of colon. Review status: no assertion criteria provided. Collection method: clinical testing. Allele origin: unknown. Affected: yes. Study: The Canadian Open Genetics Repository (COGR). Not counted in ClinVar's aggregate classification.
Comment: The MUTYH p.His85Arg variant was not identified in the literature nor was it identified in the following databases: Cosmic, MutDB, Insight Colon Cancer Gene Variant Database. The variant was identified in dbSNP (ID: rs558707786) as â€šÃ„ÃºWith Uncertain significance alleleâ€šÃ„Ã¹,ClinVar (1x as uncertain significance by Ambry Genetics), and Clinvitae (1x as uncertain significance). The variant was identified in control databases in 2 of 246258 chromosomes at a frequency of 0.000008 in the following populations: African in 1 of 15304 chromosomes (freq. 0.000065), and Other in 1 of 5486 chromosomes (freq. 0.00018) (Genome Aggregation Consortium Feb 27, 2017). The p.His85Arg residue is conserved in mammals and computational analyses (PolyPhen-2, SIFT, AlignGVGD, BLOSUM, MutationTaster) provide inconsistent predictions regarding the impact to the protein; this information is not very predictive of pathogenicity. The variant occurs outside of the splicing consensus sequence and 1 of 5 in silico or computational prediction software programs (SpliceSiteFinder, MaxEntScan, NNSPLICE, GeneSplicer, HumanSpliceFinder) predict a greater than 10% difference in splicing; this is not very predictive of pathogenicity. In summary, based on the above information the clinical significance of this variant cannot be determined with certainty at this time. This variant is classified as a variant of uncertain significance.

Literature cited by the submitters: PubMed 20618354 (cited by 4 submitters); PubMed 26377631 (cited by Women's Health and Genetics/Laboratory Corporation of America, LabCorp); PubMed 32665031 (cited by Women's Health and Genetics/Laboratory Corporation of America, LabCorp); PubMed 30604180 (cited by 3 submitters).

NM_001048174.2(MUTYH):c.170A>G (p.His57Arg)

Gene: MUTYH (mutY DNA glycosylase; minus strand). Cytogenetic location: 1p34.1.
Variant type: single nucleotide variant.
Coding change: c.170A>G on transcript NM_001048174.2 (MANE Select); coding-DNA position 170, A replaced by G.
Protein change: p.His57Arg; replaces histidine 57 with arginine.
Molecular consequence: missense variant. On other transcripts: 5 prime UTR variant (1), non-coding transcript variant (2), intron variant (3).
Genome position (GRCh38, 1-based): chr1:45,333,507, T>C on the plus strand (A>G on the coding strand, the complement: MUTYH is on the minus strand). VCF-style: chr1-45333507-T-C. GRCh37 (hg19) VCF-style: chr1-45799179-T-C.
Other names: c.170A>G, p.His57Arg (NM_001048171.2, NM_001048173.2, NM_001293195.2); c.173A>G, p.His58Arg (NM_001048172.2); c.254A>G, p.His85Arg (NM_001128425.2); c.215A>G, p.His72Arg (NM_001293190.2); c.203A>G, p.His68Arg (NM_001293191.2); c.-102A>G (NM_001350650.2); c.245A>G, p.His82Arg (NM_012222.3); c.-92-10A>G (NM_001350651.2); and 1 more; short protein forms H85R, H57R, H58R, H68R, H72R, H82R.
Identifiers: ClinVar variation 234004 (VCV000234004.24), dbSNP rs558707786, ClinGen allele CA057160.